The following is an entry in ClinVar:

NM_005159.5(ACTC1):c.650A>C (p.Lys217Thr)

Genes: ACTC1 (actin alpha cardiac muscle 1; minus strand), GJD2-DT (GJD2 divergent transcript; plus strand). Cytogenetic location: 15q14.
Variant type: single nucleotide variant.
Coding change: c.650A>C on transcript NM_005159.5 (MANE Select); coding-DNA position 650, A replaced by C.
Protein change: p.Lys217Thr; replaces lysine 217 with threonine.
Molecular consequence: missense variant.
Genome position (GRCh38, 1-based): chr15:34,792,248, T>G on the plus strand (A>C on the coding strand, the complement: ACTC1 is on the minus strand). VCF-style: chr15-34792248-T-G. GRCh37 (hg19) VCF-style: chr15-35084449-T-G.
Other names: c.650A>C, p.Lys217Thr (NM_001406482.1, NM_001406483.1); c.515A>C, p.Lys172Thr (NM_001406484.1); c.209A>C, p.Lys70Thr (NM_001406485.1); short protein forms K172T, K217T, K70T.
Identifiers: ClinVar variation 4890685 (VCV004890685.1).
Genomic context (GRCh38, chr15:34,792,248, plus strand): 5'-GAGGAGGAAGAGGCAGCTGTGGCCATCTCATTCTCAAAATCCAGGGCGACATAGCACAGC[T>G]TCTCTTTAATGTCACGGACAATTTCACGTTCAGCTACAGAAATAAAGAGTATCACAGTCA-3'
Protein context (NP_005150.1, residues 207-227): EREIVRDIKE[Lys217Thr]LCYVALDFEN

ClinVar aggregate classification (germline): Likely pathogenic (1 of 4 stars; one submission).

Conditions:
Arthrogryposis. Identifiers: MedGen C0003886, MONDO:0008779.

Submission:

Clinical Biomedical Laboratory, Shriners Hospital For Children - Canada
Classification: Likely pathogenic for Arthrogryposis. Review status: criteria provided, single submitter. Criteria: ACMG Guidelines, 2015. Collection method: clinical testing. Allele origin: germline. Affected: yes.
Comment: This variant is absent in the Genome Aggregation Database (gnomAD v2.1.1), indicating it is very rare. Computational tools (REVEL: 0.92) suggest that the amino acid change is deleterious to protein function. The gene is associated with distal arthrogryposis accompanied by congenital heart defects (PMID 37457373). Functional in vitro testing suggests that the variant leads to a degradation of ACTC1 protein (PMID 42458772).

Literature cited by the submitters: PubMed 37457373; PubMed 42458772.